The following is an entry in ClinVar:

NM_031229.4(RBCK1):c.889C>T (p.Leu297=)

Gene: RBCK1 (RANBP2-type and C3HC4-type zinc finger containing 1; plus strand). Cytogenetic location: 20p13.
Variant type: single nucleotide variant.
Coding change: c.889C>T on transcript NM_031229.4 (MANE Select); coding-DNA position 889, C replaced by T.
Protein change: p.Leu297=; no amino-acid change (leucine 297 retained).
Molecular consequence: synonymous variant. On other transcripts: non-coding transcript variant (1), intron variant (2).
Genome position (GRCh38, 1-based): chr20:421,003, C>T. VCF-style: chr20-421003-C-T. GRCh37 (hg19) VCF-style: chr20-401647-C-T.
Other names: c.940C>T, p.Leu314= (NM_001410770.1); c.763C>T, p.Leu255= (NM_006462.6); c.408-1124C>T (NM_001323956.2, NM_001323958.2).
Identifiers: ClinVar variation 3054320 (VCV003054320.2), dbSNP rs1330864432, ClinGen allele CA509312878.

ClinVar aggregate classification (germline): Likely benign (0 of 4 stars; one submission).

Conditions:
RBCK1-related disorder. Also called: RBCK1-related condition.

Allele frequency attached by ClinVar (database versions not stated): TOPMed below 0.00001; gnomAD 0.00001; gnomAD exomes 0.00002.
gnomAD v4.1: 27 of 1,567,092 alleles (0.0017%); highest among the groups gnomAD compares: African/African-American, 0.0027%; no homozygotes.

Submission:

PreventionGenetics, part of Exact Sciences
Classification: Likely benign for RBCK1-related condition. Last evaluated: 2022-09-15. Review status: no assertion criteria provided. Collection method: clinical testing. Allele origin: germline.
Comment: This variant is classified as likely benign based on ACMG/AMP sequence variant interpretation guidelines (Richards et al. 2015 PMID: 25741868, with internal and published modifications).